The following is an entry in ClinVar:

ClinVar aggregate classification (germline): Uncertain significance (1 of 4 stars; one submission).

Submission:

Dasa
Classification: Uncertain significance. Last evaluated: 2025-10-22. Review status: criteria provided, single submitter. Criteria: DASA Assertion Criteria. Collection method: clinical testing. Allele origin: germline.
Comment: NM_004522.3(KIF5C):c.2633C>T (p.Ala878Val) is a missense variant that results in the substitution of alanine with valine. This variant is absent from population databases. The currently available literature and clinical evidence are not sufficient to establish a definitive association between this variant and the reported condition. Therefore, this variant is classified as a variant of uncertain significance.

NM_004522.3(KIF5C):c.2633C>T (p.Ala878Val)

Gene: KIF5C (kinesin family member 5C; plus strand). Cytogenetic location: 2q23.2.
Variant type: single nucleotide variant.
Coding change: c.2633C>T on transcript NM_004522.3 (MANE Select); coding-DNA position 2633, C replaced by T.
Protein change: p.Ala878Val; replaces alanine 878 with valine.
Molecular consequence: missense variant. On other transcripts: non-coding transcript variant (1).
Genome position (GRCh38, 1-based): chr2:149,010,217, C>T. VCF-style: chr2-149010217-C-T. GRCh37 (hg19) VCF-style: chr2-149866731-C-T.
Other names: short protein forms A878V.
Identifiers: ClinVar variation 4885307 (VCV004885307.2).
Genomic context (GRCh38, chr2:149,010,217, plus strand): 5'-TGCGCTGTGAACTGCCCAAGCTGGAGAAGCGGCTGCGTGCCACGGCGGAGCGCGTCAAGG[C>T]TCTGGAGAGCGCGCTGAAGGAGGCCAAGGAGAACGCCATGCGGGACCGTAAGCGCTACCA-3'
Protein context (NP_004513.1, residues 868-888): RLRATAERVK[Ala878Val]LESALKEAKE